The following is an entry in ClinVar:

ClinVar aggregate classification (germline): Likely benign. Review status: criteria provided, single submitter (1 of 4 stars). 2 submissions from 2 submitters: Likely benign (1). 1 of the submissions does not count toward it. Last evaluated 2025-08-13.

Conditions:
GREB1L-related disorder. Also called: GREB1L-related condition.

Allele frequency attached by ClinVar (database versions not stated): gnomAD 0.00003; ExAC 0.00010; 1000 Genomes Project 30x 0.00031.
gnomAD v4.1: 52 of 1,551,716 alleles (0.0034%); highest among the groups gnomAD compares: South Asian, 0.054%; no homozygotes.

Submissions (2):

Labcorp Genetics (formerly Invitae), Labcorp
Classification: Likely benign. Last evaluated: 2025-08-13. Review status: criteria provided, single submitter. Criteria: Invitae Variant Classification Sherloc (09022015). Collection method: clinical testing. Allele origin: germline.

PreventionGenetics, part of Exact Sciences
Classification: Likely benign for GREB1L-related condition. Last evaluated: 2021-08-16. Review status: no assertion criteria provided. Collection method: clinical testing. Allele origin: germline. Not counted in ClinVar's aggregate classification.
Comment: This variant is classified as likely benign based on ACMG/AMP sequence variant interpretation guidelines (Richards et al. 2015 PMID: 25741868, with internal and published modifications).

NM_001142966.3(GREB1L):c.3219G>C (p.Val1073=)

Gene: GREB1L (GREB1 like retinoic acid receptor coactivator; plus strand). Cytogenetic location: 18q11.1.
Variant type: single nucleotide variant.
Coding change: c.3219G>C on transcript NM_001142966.3 (MANE Select); coding-DNA position 3219, G replaced by C.
Protein change: p.Val1073=; no amino-acid change (valine 1073 retained).
Molecular consequence: synonymous variant.
Genome position (GRCh38, 1-based): chr18:21,496,526, G>C. VCF-style: chr18-21496526-G-C. GRCh37 (hg19) VCF-style: chr18-19076487-G-C.
Other names: c.3348G>C, p.Val1116= (NM_001410867.1); c.2892G>C, p.Val964= (NM_001410868.1).
Identifiers: ClinVar variation 3030691 (VCV003030691.3), dbSNP rs749917643, ClinGen allele CA8906564.